The following is an entry in ClinVar:

NM_001355436.2(SPTB):c.774G>A (p.Thr258=)

Gene: SPTB (spectrin beta, erythrocytic; minus strand). Cytogenetic location: 14q23.3.
Variant type: single nucleotide variant.
Coding change: c.774G>A on transcript NM_001355436.2 (MANE Select); coding-DNA position 774, G replaced by A.
Protein change: p.Thr258=; no amino-acid change (threonine 258 retained).
Molecular consequence: synonymous variant.
Genome position (GRCh38, 1-based): chr14:64,800,858, C>T on the plus strand (G>A on the coding strand, the complement: SPTB is on the minus strand). VCF-style: chr14-64800858-C-T. GRCh37 (hg19) VCF-style: chr14-65267576-C-T.
Other names: NM_000347.5:c.774G>A; p.Thr258=; c.774G>A, p.Thr258= (NM_001024858.4, NM_001355437.2).
Identifiers: ClinVar variation 1028698 (VCV001028698.29), dbSNP rs12435635, ClinGen allele CA7231325.

ClinVar aggregate classification (germline): Conflicting classifications of pathogenicity. Review status: criteria provided, conflicting classifications (1 of 4 stars). 5 submissions from 5 submitters: Uncertain significance (3); Benign (1); Likely benign (1). Last evaluated 2025-08-22.

Conditions:
Hereditary spherocytosis type 2. Also called: SPHEROCYTOSIS, TYPE 2, AUTOSOMAL DOMINANT. Identifiers: Orphanet 822, MedGen C2674219, MONDO:0000913, OMIM 616649.

Allele frequency attached by ClinVar (database versions not stated): gnomAD exomes 0.00010 and 0.00026; ExAC 0.00025; gnomAD 0.00051 and 0.00053; ESP Exome Variant Server 0.00085; 1000 Genomes Project 0.00100; 1000 Genomes Project 30x 0.00125; TOPMed 0.00061.
gnomAD v4.1: 221 of 1,613,842 alleles (0.014%); highest among the groups gnomAD compares: African/African-American, 0.14%; no homozygotes.

Submissions (5):

Mayo Clinic Laboratories, Mayo Clinic
Classification: Uncertain significance. Last evaluated: 2025-08-22. Review status: criteria provided, single submitter. Criteria: ACMG Guidelines, 2015. Collection method: clinical testing. Allele origin: germline. Observed: 4 variant alleles.

Labcorp Genetics (formerly Invitae), Labcorp
Classification: Benign. Last evaluated: 2024-12-19. Review status: criteria provided, single submitter. Criteria: Invitae Variant Classification Sherloc (09022015). Collection method: clinical testing. Allele origin: germline.

CeGaT Center for Human Genetics Tuebingen
Classification: Uncertain significance. Last evaluated: 2024-04-01. Review status: criteria provided, single submitter. Criteria: CeGaT Center For Human Genetics Tuebingen Variant Classification Criteria Version 2. Collection method: clinical testing. Allele origin: germline. Affected: yes. Observed: 1 variant allele.
Comment: SPTB: PP3

Blueprint Genetics
Classification: Likely benign. Last evaluated: 2022-08-11. Review status: criteria provided, single submitter. Criteria: ACMG Guidelines, 2015. Collection method: clinical testing. Allele origin: germline.

Baylor Genetics
Classification: Uncertain significance for Hereditary spherocytosis type 2. Last evaluated: 2019-09-13. Review status: criteria provided, single submitter. Criteria: ACMG Guidelines, 2015. Collection method: clinical testing. Allele origin: unknown. Affected: yes.
Comment: This variant was determined to be of uncertain significance according to ACMG Guidelines, 2015 [PMID:25741868].